The following is an entry in ClinVar:

ClinVar aggregate classification (germline): Uncertain significance. Review status: criteria provided, multiple submitters, no conflicts (2 of 4 stars). 2 submissions from 2 submitters: Uncertain significance (2). Last evaluated 2023-03-01.

Allele frequency attached by ClinVar (database versions not stated): gnomAD exomes below 0.00001; ExAC 0.00001; gnomAD 0.00001; TOPMed 0.00002.
gnomAD v4.1: 6 of 1,613,814 alleles (0.00037%); highest among the groups gnomAD compares: Non-Finnish European, 0.000085%; no homozygotes.

Submissions (2):

Ambry Genetics
Classification: Uncertain significance. Last evaluated: 2023-03-01. Review status: criteria provided, single submitter. Criteria: Ambry Variant Classification Scheme 2023. Collection method: clinical testing. Allele origin: germline.

Labcorp Genetics (formerly Invitae), Labcorp
Classification: Uncertain significance. Last evaluated: 2022-03-01. Review status: criteria provided, single submitter. Criteria: Invitae Variant Classification Sherloc (09022015). Collection method: clinical testing. Allele origin: germline.
Comment: This sequence change replaces threonine, which is neutral and polar, with asparagine, which is neutral and polar, at codon 648 of the CACNA1B protein (p.Thr648Asn). This variant is present in population databases (rs772640747, gnomAD 0.01%). This variant has not been reported in the literature in individuals affected with CACNA1B-related conditions. Algorithms developed to predict the effect of missense changes on protein structure and function are either unavailable or do not agree on the potential impact of this missense change (SIFT: "Deleterious"; PolyPhen-2: "Benign"; Align-GVGD: "Class C0"). In summary, the available evidence is currently insufficient to determine the role of this variant in disease. Therefore, it has been classified as a Variant of Uncertain Significance.

NM_000718.4(CACNA1B):c.1943C>A (p.Thr648Asn)

Gene: CACNA1B (calcium voltage-gated channel subunit alpha1 B; plus strand). Cytogenetic location: 9q34.3.
Variant type: single nucleotide variant.
Coding change: c.1943C>A on transcript NM_000718.4 (MANE Select); coding-DNA position 1943, C replaced by A.
Protein change: p.Thr648Asn; replaces threonine 648 with asparagine.
Molecular consequence: missense variant.
Genome position (GRCh38, 1-based): chr9:137,986,823, C>A. VCF-style: chr9-137986823-C-A. GRCh37 (hg19) VCF-style: chr9-140881275-C-A.
Other names: c.1943C>A, p.Thr648Asn (NM_001243812.2); c.1943C>A (NM_000718.3); short protein forms T648N.
Identifiers: ClinVar variation 2421595 (VCV002421595.5), dbSNP rs772640747, ClinGen allele CA5376315.
Genomic context (GRCh38, chr9:137,986,823, plus strand): 5'-GCCTTCCTGTTTTCCTCAGGTTCAACTTCCAGGATGAGACTCCCACAACCAACTTCGACA[C>A]CTTCCCTGCCGCCATCCTCACTGTCTTCCAGGTAAGGCACCTGCTCTGCACATTTGCGGC-3'
Protein context (NP_000709.1, residues 638-658): QDETPTTNFD[Thr648Asn]FPAAILTVFQ